The following is an entry in ClinVar:

ClinVar aggregate classification (germline): Likely pathogenic (1 of 4 stars; one submission).

Conditions:
Ethylmalonic encephalopathy (EE). Also called: EPEMA syndrome; Encephalopathy, petechiae, and ethylmalonic aciduria; Syndrome of encephalopathy, petechiae, and ethylmalonic aciduria. Identifiers: Orphanet 51188, MedGen C1865349, MONDO:0011229, OMIM 602473. Disease mechanism: loss of function.

Submission:

Natera, Inc.
Classification: Likely pathogenic for Ethylmalonic encephalopathy. Last evaluated: 2024-04-19. Review status: criteria provided, single submitter. Criteria: Natera Variant Classification Schema (03/2026). Collection method: clinical testing. Allele origin: germline.
Comment: The c.661G>T variant in ETHE1 is a nonsense variant predicted to introduce a stop codon at amino acid 221. This variant is expected to result in nonsense mediated decay, truncation, or a dysfunctional protein product. This variant is rare in the general population with a frequency below the threshold expected for the associated phenotype(s). Given the available evidence, this variant is classified as Likely Pathogenic.

NM_014297.5(ETHE1):c.661G>T (p.Glu221Ter)

Gene: ETHE1 (ETHE1 persulfide dioxygenase; minus strand). Cytogenetic location: 19q13.31.
Variant type: single nucleotide variant.
Coding change: c.661G>T on transcript NM_014297.5 (MANE Select); coding-DNA position 661, G replaced by T.
Protein change: p.Glu221Ter; replaces glutamic acid 221 with a stop codon.
Molecular consequence: nonsense.
Genome position (GRCh38, 1-based): chr19:43,507,995, C>A on the plus strand (G>T on the coding strand, the complement: ETHE1 is on the minus strand). VCF-style: chr19-43507995-C-A. GRCh37 (hg19) VCF-style: chr19-44012147-C-A.
Other names: c.628G>T, p.Glu210Ter (NM_001320867.2); c.292G>T, p.Glu98Ter (NM_001320868.2); c.367G>T, p.Glu123Ter (NM_001320869.2); short protein forms E123*, E210*, E221*, E98*.
Identifiers: ClinVar variation 4815663 (VCV004815663.1).
Genomic context (GRCh38, chr19:43,507,995, plus strand): 5'-GCTGCTCACCTATCTGCTGAGGTTTAGGCAAGTTCAGGTTGCCCATGATTTTGACAAACT[C>A]CTCACAGCTGAGGGTGAGCCGAGGGTTCAGAGTCCTCTCCTCCTCCACGGTGGACACTGT-3'